The following is an entry in ClinVar:

NM_032601.4(MCEE):c.10G>T (p.Val4Leu)

Gene: MCEE (methylmalonyl-CoA epimerase; minus strand). Cytogenetic location: 2p13.3.
Variant type: single nucleotide variant.
Coding change: c.10G>T on transcript NM_032601.4 (MANE Select); coding-DNA position 10, G replaced by T.
Protein change: p.Val4Leu; replaces valine 4 with leucine.
Molecular consequence: missense variant.
Genome position (GRCh38, 1-based): chr2:71,130,210, C>A on the plus strand (G>T on the coding strand, the complement: MCEE is on the minus strand). VCF-style: chr2-71130210-C-A. GRCh37 (hg19) VCF-style: chr2-71357340-C-A.
Other names: short protein forms V4L.
Identifiers: ClinVar variation 655143 (VCV000655143.6), dbSNP rs202194538, ClinGen allele CA1702691.
Genomic context (GRCh38, chr2:71,130,210, plus strand): 5'-TGGCGAAGGTCGCCGGTGCCCGGTATTCACCTACGGCATTCGCGGCTGCAGCCTTCAGCA[C>A]CCGCGCCATTTTGGAAAGCAACCCGCCACGTCAAGACTAGCCACGGAGGTTGAGAGACGC-3'
Protein context (NP_115990.3, residues 1-14): MAR[Val4Leu]LKAAAANAVG

ClinVar aggregate classification (germline): Uncertain significance (1 of 4 stars; one submission).

Conditions:
Methylmalonic acidemia due to methylmalonyl-CoA epimerase deficiency. Also called: METHYLMALONIC ACIDURIA III; METHYLMALONYL-CoA RACEMASE DEFICIENCY; Methylmalonyl-CoA Epimerase Deficiency. Identifiers: Orphanet 308425, MedGen C1855100, MONDO:0009615, OMIM 251120.

Allele frequency attached by ClinVar (database versions not stated): TOPMed 0.00014; 1000 Genomes Project 30x 0.00016; gnomAD 0.00003; 1000 Genomes Project 0.00020.
gnomAD v4.1: 34 of 1,607,924 alleles (0.0021%); highest among the groups gnomAD compares: African/African-American, 0.043%; no homozygotes.

Submission:

Labcorp Genetics (formerly Invitae), Labcorp
Classification: Uncertain significance for Methylmalonic acidemia due to methylmalonyl-CoA epimerase deficiency. Last evaluated: 2022-10-25. Review status: criteria provided, single submitter. Criteria: Invitae Variant Classification Sherloc (09022015). Collection method: clinical testing. Allele origin: germline.
Comment: This sequence change replaces valine, which is neutral and non-polar, with leucine, which is neutral and non-polar, at codon 4 of the MCEE protein (p.Val4Leu). This variant is present in population databases (rs202194538, gnomAD 0.03%). This variant has not been reported in the literature in individuals affected with MCEE-related conditions. ClinVar contains an entry for this variant (Variation ID: 655143). Algorithms developed to predict the effect of missense changes on protein structure and function output the following: SIFT: "Tolerated"; PolyPhen-2: "Benign"; Align-GVGD: "Class C0". The leucine amino acid residue is found in multiple mammalian species, which suggests that this missense change does not adversely affect protein function. In summary, the available evidence is currently insufficient to determine the role of this variant in disease. Therefore, it has been classified as a Variant of Uncertain Significance.